The following is an entry in ClinVar:

NM_000481.4(AMT):c.1068GAA[2] (p.Lys358del)

Gene: AMT (aminomethyltransferase; minus strand). Cytogenetic location: 3p21.31.
Variant type: Microsatellite.
Coding change: c.1068GAA[2] on transcript NM_000481.4 (MANE Select); two copies in a row of the 3-base unit GAA starting at c.1068; the reference has three copies in a row; one copy, 3 bases deleted; also written c.1074_1076del.
Protein change: p.Lys358del; deletes lysine 358.
Molecular consequence: inframe deletion. On other transcripts: non-coding transcript variant (1).
Genome position (GRCh38, 1-based): chr3:49,417,676-49,417,678, TTC deleted on the plus strand (GAA on the coding strand, the reverse complement: AMT is on the minus strand); deleting any 3 consecutive bases within chr3:49,417,676-49,417,684 gives the same sequence; the position shown is the placement nearest the transcript's 3' end. VCF-style (leftmost placement, unchanged base first): chr3-49417675-ATTC-A. GRCh37 (hg19) VCF-style: chr3-49455108-ATTC-A.
Other names: c.1074_1076del (NM_000481.4, NM_000481.3); c.936GAA[2], p.Lys314del (NM_001164710.2); c.900GAA[2], p.Lys302del (NM_001164711.2); c.1068GAA[2], p.Lys358del (NM_001164712.2); c.1074_1076delGAA (NM_000481.3); short protein forms K302del, K314del, K358del.
Identifiers: ClinVar variation 1687275 (VCV001687275.5), dbSNP rs768940499, ClinGen allele CA2398149.
Genomic context (GRCh38, chr3:49,417,675, plus strand): 5'-CTCTACCAGCAGCATTGTCCCTGGACGACTGTACTCGCAGGGCACATAACCCATCGCCAC[ATTC>A]TTCTTCAGAGAGGGGGAGGGGCAGCCACTAGTCACAGTACCTGTCAAGCAAGCATAAGCC-3'

ClinVar aggregate classification (germline): Conflicting classifications of pathogenicity. Review status: criteria provided, conflicting classifications (1 of 4 stars). 3 submissions from 3 submitters: Likely pathogenic (1); Uncertain significance (2). Last evaluated 2022-06-10.

Conditions:
Glycine encephalopathy. Also called: Non-ketotic hyperglycinemia; Nonketotic hyperglycinemia. Identifiers: Orphanet 407, MedGen C0751748, MONDO:0011612, HP:0008288.
Glycine encephalopathy 1 (GCE1). Identifiers: MedGen CN376801, MONDO:0958179, OMIM 605899.

Submissions (3):

Labcorp Genetics (formerly Invitae), Labcorp
Classification: Uncertain significance for Glycine encephalopathy. Last evaluated: 2022-06-10. Review status: criteria provided, single submitter. Criteria: Invitae Variant Classification Sherloc (09022015). Collection method: clinical testing. Allele origin: germline.
Comment: This variant, c.1074_1076del, results in the deletion of 1 amino acid(s) of the AMT protein (p.Lys358del), but otherwise preserves the integrity of the reading frame. This variant is present in population databases (rs768940499, gnomAD 0.006%). This variant has not been reported in the literature in individuals affected with AMT-related conditions. Experimental studies and prediction algorithms are not available or were not evaluated, and the functional significance of this variant is currently unknown. In summary, the available evidence is currently insufficient to determine the role of this variant in disease. Therefore, it has been classified as a Variant of Uncertain Significance.

3billion
Classification: Uncertain significance for Glycine encephalopathy 1. Last evaluated: 2022-05-22. Review status: criteria provided, single submitter. Criteria: ACMG Guidelines, 2015. Collection method: clinical testing. Allele origin: germline. Affected: yes. Observed: 1 heterozygote.
Comment: The variant is observed at an extremely low frequency in the gnomAD v2.1.1 dataset (total allele frequency: <0.001%). Inframe deletion located in a nonrepeat region: predicted to change the length of the protein and disrupt normal protein function. Therefore, this variant is classified as uncertain significanceaccording to the recommendation of ACMG/AMP guideline.

Victorian Clinical Genetics Services, Murdoch Childrens Research Institute
Classification: Likely pathogenic for Glycine encephalopathy 1. Last evaluated: 2021-05-06. Review status: criteria provided, single submitter. Criteria: ACMG Guidelines, 2015. Collection method: clinical testing. Allele origin: germline. Inheritance: Autosomal recessive inheritance.
Comment: Based on the classification scheme VCGS_Germline_v1.3.4, this variant is classified as Likely pathogenic. Following criteria are met: 0102 - Loss of function is a known mechanism of disease in this gene and is associated with glycine encephalopathy (MIM#605899). (I) 0106 - This gene is associated with autosomal recessive disease. (I) 0213 - In-frame deletion in a non-repetitive region that has high conservation. (SP) 0251 - This variant is heterozygous. (I) 0304 - Variant is present in gnomAD <0.01 for a recessive condition (2 heterozygotes, 0 homozygotes). (SP) 0600 - Variant is located in the annotated glycine cleavage T-protein C-terminal barrel domain (Decipher). (I) 0705 - No comparable variants have previous evidence for pathogenicity. (I) 0807 - This variant has no previous evidence of pathogenicity. (I) 0905 - No published segregation evidence has been identified for this variant. (I) 1007 - No published functional evidence has been identified for this variant. (I) 1101 - Very strong and specific phenotype match for this individual. (SP) 1201 - Heterozygous variant detected in trans with a second pathogenic heterozygous variant (NM_000481.3(AMT):c.14dupT, p.Ser6Lysfs*22) in a recessive disease. (SP) 1207 - Parental origin of the variant is unresolved (duo analysis). (I) Legend: (SP) - Supporting pathogenic, (I) - Information, (SB) - Supporting benign